The following is an entry in ClinVar:

ClinVar aggregate classification (germline): Likely benign (1 of 4 stars; one submission).

gnomAD v4.1: 81 of 1,613,288 alleles (0.005%); highest among the groups gnomAD compares: East Asian, 0.15%; no homozygotes.

Submission:

CeGaT Center for Human Genetics Tuebingen
Classification: Likely benign. Last evaluated: 2026-04-01. Review status: criteria provided, single submitter. Criteria: CeGaT Center For Human Genetics Tuebingen Variant Classification Criteria Version 2. Collection method: clinical testing. Allele origin: germline. Affected: yes. Observed: 1 variant allele.
Comment: CDC42BPB: BS2

NM_006035.4(CDC42BPB):c.1977C>T (p.Ser659=)

Gene: CDC42BPB (CDC42 binding protein kinase beta; minus strand). Cytogenetic location: 14q32.32.
Variant type: single nucleotide variant.
Coding change: c.1977C>T on transcript NM_006035.4 (MANE Select); coding-DNA position 1977, C replaced by T.
Protein change: p.Ser659=; no amino-acid change (serine 659 retained).
Molecular consequence: synonymous variant.
Genome position (GRCh38, 1-based): chr14:102,970,169, G>A on the plus strand (C>T on the coding strand, the complement: CDC42BPB is on the minus strand). VCF-style: chr14-102970169-G-A. GRCh37 (hg19) VCF-style: chr14-103436506-G-A.
Other names: c.1977C>T, p.Ser659= (NM_001411054.1).
Identifiers: ClinVar variation 4873070 (VCV004873070.2).